The following is an entry in ClinVar:

NM_004415.4(DSP):c.170+5del

Genes: DSP (desmoplakin; plus strand), DSP-AS1 (DSP antisense RNA 1; minus strand). Cytogenetic location: 6p24.3.
Variant type: Deletion.
Coding change: c.170+5del on transcript NM_004415.4 (MANE Select); 5 bases into the intron after coding-DNA position 170, one base deleted (G; older notation c.170+5delG).
Molecular consequence: intron variant.
Genome position (GRCh38, 1-based): chr6:7,542,090, G deleted; the last of 3 consecutive G bases (chr6:7,542,088-7,542,090); deleting any one gives the same sequence. VCF-style (leftmost placement, unchanged base first): chr6-7542087-TG-T. GRCh37 (hg19) VCF-style: chr6-7542320-TG-T.
Other names: c.170+5del (NM_001319034.2, NM_001008844.3, LRG_423t1); c.170+5delG (NM_004415.2).
Identifiers: ClinVar variation 534291 (VCV000534291.4), dbSNP rs1554104240, ClinGen allele CA658796717.

ClinVar aggregate classification (germline): Uncertain significance. Review status: criteria provided, multiple submitters, no conflicts (2 of 4 stars). 2 submissions from 2 submitters: Uncertain significance (2). Last evaluated 2017-10-31.

Conditions:
Arrhythmogenic cardiomyopathy with wooly hair and keratoderma. Also called: PALMOPLANTAR KERATODERMA WITH LEFT VENTRICULAR CARDIOMYOPATHY AND WOOLLY HAIR; Carvajal syndrome; Dilated cardiomyopathy with woolly hair and keratoderma; Arrhythmogenic cardiomyopathy with woolly hair and keratoderma. Identifiers: Orphanet 65282, MedGen C1854063, MONDO:0011581, OMIM 605676.
Arrhythmogenic right ventricular dysplasia 8 (ARVD8). Also called: Arrhythmogenic Right Ventricular Dysplasia/Cardiomyopathy 8; ARRHYTHMOGENIC RIGHT VENTRICULAR DYSPLASIA, FAMILIAL, 8; ARRHYTHMOGENIC RIGHT VENTRICULAR CARDIOMYOPATHY 8. Identifiers: MedGen C1843896, MONDO:0011831, OMIM 607450.
Cardiomyopathy (CMYO). Also called: Cardiomyopathies. Identifiers: Orphanet 167848, MedGen C0878544, MONDO:0004994, HP:0001638. Inheritance: Various modes of inheritance.

Submissions (2):

CHEO Genetics Diagnostic Laboratory, Children's Hospital of Eastern Ontario
Classification: Uncertain significance for Cardiomyopathy. Last evaluated: 2017-10-31. Review status: criteria provided, single submitter. Criteria: ACMG Guidelines, 2015. Collection method: clinical testing. Allele origin: germline.

Labcorp Genetics (formerly Invitae), Labcorp
Classification: Uncertain significance for Arrhythmogenic cardiomyopathy with wooly hair and keratoderma; Arrhythmogenic right ventricular dysplasia 8. Last evaluated: 2017-09-27. Review status: criteria provided, single submitter. Criteria: Invitae Variant Classification Sherloc (09022015). Collection method: clinical testing. Allele origin: germline.
Comment: This sequence change falls in intron 1 of the DSP gene. It does not directly change the encoded amino acid sequence of the DSP protein, but it affects a nucleotide within the consensus splice site of the intron. This variant is not present in population databases (ExAC no frequency). This variant has not been reported in the literature in individuals with DSP-related disease. Nucleotide substitutions within the consensus splice site are a relatively common cause of aberrant splicing (PMID: 17576681, 9536098). Algorithms developed to predict the effect of sequence changes on RNA splicing suggest that this variant may disrupt the consensus splice site, but this prediction has not been confirmed by published transcriptional studies. In summary, the available evidence is currently insufficient to determine the role of this variant in disease. Therefore, it has been classified as a Variant of Uncertain Significance.